The following is an entry in ClinVar:

NM_000069.3(CACNA1S):c.4036C>T (p.Pro1346Ser)

Gene: CACNA1S (calcium voltage-gated channel subunit alpha1 S; minus strand). Cytogenetic location: 1q32.1.
Variant type: single nucleotide variant.
Coding change: c.4036C>T on transcript NM_000069.3 (MANE Select); coding-DNA position 4036, C replaced by T.
Protein change: p.Pro1346Ser; replaces proline 1346 with serine.
Molecular consequence: missense variant.
Genome position (GRCh38, 1-based): chr1:201,051,061, G>A on the plus strand (C>T on the coding strand, the complement: CACNA1S is on the minus strand). VCF-style: chr1-201051061-G-A. GRCh37 (hg19) VCF-style: chr1-201020189-G-A.
Other names: short protein forms P1346S.
Identifiers: ClinVar variation 3386317 (VCV003386317.1).

ClinVar aggregate classification (germline): Uncertain significance (1 of 4 stars; one submission).

Conditions:
Malignant hyperthermia, susceptibility to, 5 (MHS5). Also called: CACNA1S-Related Malignant Hyperthermia Susceptibility. Identifiers: Orphanet 423, MedGen C1866077, MONDO:0011163, OMIM 601887.

Submission:

All of Us Research Program, National Institutes of Health
Classification: Uncertain significance for Malignant hyperthermia, susceptibility to, 5. Last evaluated: 2024-05-14. Review status: criteria provided, single submitter. Criteria: ACMG Guidelines, 2015. Collection method: clinical testing. Allele origin: germline. Inheritance: Autosomal dominant inheritance. Observed: 1 variant allele, 1 heterozygote.
Comment: This missense variant replaces proline with serine at codon 1346 of the CACNA1S protein. Computational prediction suggests that this variant may not impact protein structure and function. To our knowledge, functional studies have not been reported for this variant. This variant has not been reported in individuals affected with CACNA1S-related disorders in the literature. This variant has not been identified in the general population by the Genome Aggregation Database (gnomAD). The available evidence is insufficient to determine the role of this variant in disease conclusively. Therefore, this variant is classified as a Variant of Uncertain Significance.

This study involves interpretation of variants in research participants for the purpose of population health screening. Participant phenotype was not available at the time of variant classification. Additional details can be found in publication PMID: 35346344, PMCID: PMC8962531